The following is an entry in ClinVar:

ClinVar aggregate classification (germline): Likely benign. Review status: criteria provided, single submitter (1 of 4 stars). 2 submissions from 2 submitters: Likely benign (1). 1 of the submissions does not count toward it. Last evaluated 2017-04-05.

Conditions:
Intellectual disability. Also called: Intellectual developmental disorder; Intellectual functioning disability; intellectual disabilities. Identifiers: MedGen C3714756, MeSH D008607, MONDO:0001071, HP:0001249.

Allele frequency attached by ClinVar (database versions not stated): gnomAD 0.00002; ExAC 0.00002; gnomAD exomes 0.00001; TOPMed 0.00001.
gnomAD v4.1: 17 of 1,548,834 alleles (0.0011%); highest among the groups gnomAD compares: Non-Finnish European, 0.0015%; no homozygotes.

Submissions (2):

GeneDx
Classification: Likely benign. Last evaluated: 2017-04-05. Review status: criteria provided, single submitter. Criteria: GeneDx Variant Classification (06012015). Collection method: clinical testing. Allele origin: germline. Affected: yes.
Comment: This variant is considered likely benign or benign based on one or more of the following criteria: it is a conservative change, it occurs at a poorly conserved position in the protein, it is predicted to be benign by multiple in silico algorithms, and/or has population frequency not consistent with disease.

Centre de Biologie Pathologie Génétique, Centre Hospitalier Universitaire de Lille
Classification: Likely benign for Intellectual disability. Last evaluated: 2019-01-01. Review status: no assertion criteria provided. Collection method: clinical testing. Allele origin: inherited. Affected: yes. Not counted in ClinVar's aggregate classification.

NM_001148.6(ANK2):c.483+8T>C

Gene: ANK2 (ankyrin 2; plus strand). Cytogenetic location: 4q26.
Variant type: single nucleotide variant.
Coding change: c.483+8T>C on transcript NM_001148.6 (MANE Select); 8 bases into the intron after coding-DNA position 483, T replaced by C.
Molecular consequence: intron variant.
Genome position (GRCh38, 1-based): chr4:113,232,267, T>C. VCF-style: chr4-113232267-T-C. GRCh37 (hg19) VCF-style: chr4-114153423-T-C.
Other names: c.471+8T>C (NM_001386186.2, NM_001386148.2, NM_001354269.3 and 1 more transcripts); c.465+8T>C (NM_001386147.1, NM_001386160.1, NM_001354261.2); c.420+8T>C (NM_001354254.2, NM_001354239.2, NM_001354252.2 and 33 more transcripts); c.528+8T>C (NM_001354241.2, NM_001386152.1, NM_001354237.2 and 5 more transcripts); c.483+8T>C (NM_001354225.2, NM_001354235.2, NM_001354246.2 and 9 more transcripts); c.534+8T>C (NM_001386174.1, NM_001386175.1).
Identifiers: ClinVar variation 508723 (VCV000508723.2), dbSNP rs774512699, ClinGen allele CA3050038.